The following is an entry in ClinVar:

NM_014141.6(CNTNAP2):c.2101G>T (p.Gly701Ter)

Gene: CNTNAP2 (contactin associated protein 2; plus strand). Cytogenetic location: 7q35.
Variant type: single nucleotide variant.
Coding change: c.2101G>T on transcript NM_014141.6 (MANE Select); coding-DNA position 2101, G replaced by T.
Protein change: p.Gly701Ter; replaces glycine 701 with a stop codon.
Molecular consequence: nonsense.
Genome position (GRCh38, 1-based): chr7:147,903,567, G>T. VCF-style: chr7-147903567-G-T. GRCh37 (hg19) VCF-style: chr7-147600659-G-T.
Other names: short protein forms G701*.
Identifiers: ClinVar variation 1785929 (VCV001785929.7), dbSNP rs2536301748, ClinGen allele CA369926798.

ClinVar aggregate classification (germline): Pathogenic. Review status: criteria provided, multiple submitters, no conflicts (2 of 4 stars). 2 submissions from 2 submitters: Pathogenic (2). Last evaluated 2022-08-08.

Conditions:
Cortical dysplasia-focal epilepsy syndrome (PTHSL1). Also called: Pitt-Hopkins-like syndrome 1. Identifiers: Orphanet 163681, Orphanet 221150, MedGen C2750246, MONDO:0012400, OMIM 610042.
Inborn genetic diseases. Identifiers: MedGen C0950123, MeSH D030342.

gnomAD v4.1: 1 of 1,614,164 alleles (0.000062%); highest among the groups gnomAD compares: Non-Finnish European, 0.000085%; no homozygotes.

Submissions (2):

Labcorp Genetics (formerly Invitae), Labcorp
Classification: Pathogenic for Cortical dysplasia-focal epilepsy syndrome. Last evaluated: 2022-08-08. Review status: criteria provided, single submitter. Criteria: Invitae Variant Classification Sherloc (09022015). Collection method: clinical testing. Allele origin: germline.
Comment: This variant has not been reported in the literature in individuals affected with CNTNAP2-related conditions. For these reasons, this variant has been classified as Pathogenic. This variant is not present in population databases (gnomAD no frequency). This sequence change creates a premature translational stop signal (p.Gly701*) in the CNTNAP2 gene. It is expected to result in an absent or disrupted protein product. Loss-of-function variants in CNTNAP2 are known to be pathogenic (PMID: 19896112, 21827697, 25045150, 26843181, 27439707).

Ambry Genetics
Classification: Pathogenic for Inborn genetic diseases. Last evaluated: 2019-03-08. Review status: criteria provided, single submitter. Criteria: Ambry Variant Classification Scheme 2023. Collection method: clinical testing. Allele origin: germline.
Comment: The p.G701* pathogenic mutation (also known as c.2101G>T), located in coding exon 14 of the CNTNAP2 gene, results from a G to T substitution at nucleotide position 2101. This changes the amino acid from a glycine to a stop codon within coding exon 14. This alteration is expected to result in loss of function by premature protein truncation or nonsense-mediated mRNA decay. As such, this alteration is interpreted as a disease-causing mutation.

Literature cited by the submitters: PubMed 19896112 (cited by Labcorp Genetics (formerly Invitae), Labcorp); PubMed 21827697 (cited by Labcorp Genetics (formerly Invitae), Labcorp); PubMed 25045150 (cited by Labcorp Genetics (formerly Invitae), Labcorp); PubMed 26843181 (cited by Labcorp Genetics (formerly Invitae), Labcorp); PubMed 27439707 (cited by Labcorp Genetics (formerly Invitae), Labcorp).